The following is an entry in ClinVar:

ClinVar aggregate classification (germline): Likely benign. Review status: criteria provided, multiple submitters, no conflicts (2 of 4 stars). 4 submissions from 4 submitters: Likely benign (4). Last evaluated 2025-03-17.

Allele frequency attached by ClinVar (database versions not stated): TOPMed 0.00029; 1000 Genomes Project 30x 0.00031; 1000 Genomes Project 0.00040; ExAC 0.00040; gnomAD 0.00045 and 0.00046; ESP Exome Variant Server 0.00047.
gnomAD v4.1: 993 of 1,607,802 alleles (0.062%); highest among the groups gnomAD compares: Non-Finnish European, 0.078%; no homozygotes.

Submissions (4):

Labcorp Genetics (formerly Invitae), Labcorp
Classification: Likely benign. Last evaluated: 2025-03-17. Review status: criteria provided, single submitter. Criteria: Invitae Variant Classification Sherloc (09022015). Collection method: clinical testing. Allele origin: germline.

Blueprint Genetics
Classification: Likely benign. Last evaluated: 2024-06-26. Review status: criteria provided, single submitter. Criteria: ACMG Guidelines, 2015. Collection method: clinical testing. Allele origin: germline.

GeneDx
Classification: Likely benign. Last evaluated: 2020-09-24. Review status: criteria provided, single submitter. Criteria: GeneDx Variant Classification Process June 2021. Collection method: clinical testing. Allele origin: germline. Affected: yes.

Laboratory for Molecular Medicine, Mass General Brigham Personalized Medicine
Classification: Likely benign. Last evaluated: 2017-06-28. Review status: criteria provided, single submitter. Criteria: LMM Criteria. Collection method: clinical testing. Allele origin: germline. Observed: 1 variant allele.
Comment: p.Phe626Phe in exon 12 of TSPEAR: This variant is not expected to have clinical significance because it does not alter an amino acid residue and is not located within the splice consensus sequence. It has been identified in 51/116134 Europe an chromosomes by the Genome Aggregation Database (gnomAD; dbSNP rs150268113).

NM_144991.3(TSPEAR):c.1878C>T (p.Phe626=)

Gene: TSPEAR (thrombospondin type laminin G domain and EAR repeats; minus strand). Cytogenetic location: 21q22.3.
Variant type: single nucleotide variant.
Coding change: c.1878C>T on transcript NM_144991.3 (MANE Select); coding-DNA position 1878, C replaced by T.
Protein change: p.Phe626=; no amino-acid change (phenylalanine 626 retained).
Molecular consequence: synonymous variant.
Genome position (GRCh38, 1-based): chr21:44,499,915, G>A on the plus strand (C>T on the coding strand, the complement: TSPEAR is on the minus strand). VCF-style: chr21-44499915-G-A. GRCh37 (hg19) VCF-style: chr21-45919798-G-A.
Other names: c.1674C>T, p.Phe558= (NM_001272037.2).
Identifiers: ClinVar variation 504822 (VCV000504822.17), dbSNP rs150268113, ClinGen allele CA10056274.